The following is an entry in ClinVar:

ClinVar aggregate classification (germline): Pathogenic (1 of 4 stars; one submission).

Conditions:
Nemaline myopathy 2 (NEM2). Also called: Nemaline myopathy 2, autosomal recessive. Identifiers: MedGen C1850569, MONDO:0009725, OMIM 256030.

Submission:

Myriad Genetics, Inc.
Classification: Pathogenic for Nemaline myopathy 2. Last evaluated: 2025-11-06. Review status: criteria provided, single submitter. Criteria: Myriad Autosomal Dominant, Autosomal Recessive and X-Linked Classification Criteria (2023). Collection method: clinical testing. Allele origin: unknown.
Comment: NM_001271208.1(NEB):c.6880C>T(Q2294*) is expected to be pathogenic in the context of NEB-related nemaline myopathy. This variant is predicted to lead to an abnormal or absent protein product due to the creation of a premature termination codon in NEB, a gene where loss-of-function variants are known to be pathogenic. Please note: this variant was assessed in the context of healthy population screening.

NM_001164508.2(NEB):c.6880C>T (p.Gln2294Ter)

Gene: NEB (nebulin; minus strand). Cytogenetic location: 2q23.3.
Variant type: single nucleotide variant.
Coding change: c.6880C>T on transcript NM_001164508.2 (MANE Select); coding-DNA position 6880, C replaced by T.
Protein change: p.Gln2294Ter; replaces glutamine 2294 with a stop codon.
Molecular consequence: nonsense.
Genome position (GRCh38, 1-based): chr2:151,654,027, G>A on the plus strand (C>T on the coding strand, the complement: NEB is on the minus strand). VCF-style: chr2-151654027-G-A. GRCh37 (hg19) VCF-style: chr2-152510541-G-A.
Other names: c.6880C>T, p.Gln2294Ter (NM_001164507.2, NM_001271208.2, NM_004543.5); short protein forms Q2294*.
Identifiers: ClinVar variation 5015177 (VCV005015177.1).